The following is an entry in ClinVar:

ClinVar aggregate classification (germline): Uncertain significance. Review status: criteria provided, multiple submitters, no conflicts (2 of 4 stars). 3 submissions from 3 submitters: Uncertain significance (3). Last evaluated 2025-10-01.

Conditions:
Cortical dysplasia, complex, with other brain malformations 13. Also called: Intellectual disability, autosomal dominant 13. Identifiers: MedGen C3281202, MONDO:0013805, OMIM 614563.
Charcot-Marie-Tooth disease axonal type 2O. Also called: Charcot-Marie-Tooth disease, axonal, type 20; CHARCOT-MARIE-TOOTH NEUROPATHY, AXONAL, TYPE 2O; CHARCOT-MARIE-TOOTH DISEASE, AXONAL, AUTOSOMAL DOMINANT, TYPE 2O; Charcot-Marie-Tooth Neuropathy Type 2O. Identifiers: Orphanet 284232, MedGen C3280220, MONDO:0013644, OMIM 614228.

Allele frequency attached by ClinVar (database versions not stated): gnomAD exomes below 0.00001; TOPMed below 0.00001; gnomAD 0.00001.
gnomAD v4.1: 4 of 1,614,036 alleles (0.00025%); highest among the groups gnomAD compares: Non-Finnish European, 0.00025%; no homozygotes.

Submissions (3):

Labcorp Genetics (formerly Invitae), Labcorp
Classification: Uncertain significance for Charcot-Marie-Tooth disease axonal type 2O. Last evaluated: 2025-10-01. Review status: criteria provided, single submitter. Criteria: Invitae Variant Classification Sherloc (09022015). Collection method: clinical testing. Allele origin: germline.
Comment: This sequence change replaces glutamic acid, which is acidic and polar, with glycine, which is neutral and non-polar, at codon 3357 of the DYNC1H1 protein (p.Glu3357Gly). This variant is not present in population databases (gnomAD no frequency). This variant has not been reported in the literature in individuals affected with DYNC1H1-related conditions. ClinVar contains an entry for this variant (Variation ID: 661087). Invitae Evidence Modeling of protein sequence and biophysical properties (such as structural, functional, and spatial information, amino acid conservation, physicochemical variation, residue mobility, and thermodynamic stability) has been performed for this missense variant. However, the output from this modeling did not meet the statistical confidence thresholds required to predict the impact of this variant on DYNC1H1 protein function. In summary, the available evidence is currently insufficient to determine the role of this variant in disease. Therefore, it has been classified as a Variant of Uncertain Significance.

MGZ Medical Genetics Center
Classification: Uncertain significance for Cortical dysplasia, complex, with other brain malformations 13. Last evaluated: 2022-08-11. Review status: criteria provided, single submitter. Criteria: ACMG Guidelines, 2015. Collection method: clinical testing. Allele origin: germline. Affected: yes. Observed: 1 variant allele.
Comment: ACMG criteria applied: PM2_SUP, PP2, PP3

CeGaT Center for Human Genetics Tuebingen
Classification: Uncertain significance. Last evaluated: 2019-11-01. Review status: criteria provided, single submitter. Criteria: CeGaT Center For Human Genetics Tuebingen Variant Classification Criteria Version 2. Collection method: clinical testing. Allele origin: germline. Affected: yes. Observed: 3 variant alleles.

NM_001376.5(DYNC1H1):c.10070A>G (p.Glu3357Gly)

Gene: DYNC1H1 (dynein cytoplasmic 1 heavy chain 1; plus strand). Cytogenetic location: 14q32.31.
Variant type: single nucleotide variant.
Coding change: c.10070A>G on transcript NM_001376.5 (MANE Select); coding-DNA position 10070, A replaced by G.
Protein change: p.Glu3357Gly; replaces glutamic acid 3357 with glycine.
Molecular consequence: missense variant.
Genome position (GRCh38, 1-based): chr14:102,032,458, A>G. VCF-style: chr14-102032458-A-G. GRCh37 (hg19) VCF-style: chr14-102498795-A-G.
Other names: short protein forms E3357G.
Identifiers: ClinVar variation 661087 (VCV000661087.52), dbSNP rs1458996905, ClinGen allele CA391021287.